The following is an entry in ClinVar:

ClinVar aggregate classification (germline): Uncertain significance (1 of 4 stars; one submission).

Submission:

Labcorp Genetics (formerly Invitae), Labcorp
Classification: Uncertain significance. Last evaluated: 2022-11-08. Review status: criteria provided, single submitter. Criteria: Invitae Variant Classification Sherloc (09022015). Collection method: clinical testing. Allele origin: germline.
Comment: This sequence change replaces lysine, which is basic and polar, with glutamic acid, which is acidic and polar, at codon 35 of the FGF12 protein (p.Lys35Glu). This variant is not present in population databases (gnomAD no frequency). This variant has not been reported in the literature in individuals affected with FGF12-related conditions. ClinVar contains an entry for this variant (Variation ID: 1431661). Algorithms developed to predict the effect of missense changes on protein structure and function (SIFT, PolyPhen-2, Align-GVGD) all suggest that this variant is likely to be tolerated. In summary, the available evidence is currently insufficient to determine the role of this variant in disease. Therefore, it has been classified as a Variant of Uncertain Significance.

NM_004113.6(FGF12):c.14-47583A>G

Gene: FGF12 (fibroblast growth factor 12; minus strand). Cytogenetic location: 3q28.
Variant type: single nucleotide variant.
Coding change: c.14-47583A>G on transcript NM_004113.6 (MANE Select); 47583 bases into the intron before coding-DNA position 14, A replaced by G.
Molecular consequence: intron variant. On other transcripts: missense variant (1).
Genome position (GRCh38, 1-based): chr3:192,408,121, T>C on the plus strand (A>G on the coding strand, the complement: FGF12 is on the minus strand). VCF-style: chr3-192408121-T-C. GRCh37 (hg19) VCF-style: chr3-192125910-T-C.
Other names: c.103A>G, p.Lys35Glu (NM_021032.5); c.-59-47583A>G (NM_001377293.1); c.14-72657A>G (NM_001377292.1); c.-60+1391A>G (NM_001377294.1); short protein forms K35E.
Identifiers: ClinVar variation 1431661 (VCV001431661.8), dbSNP rs2108776047, ClinGen allele CA355866732.
Genomic context (GRCh38, chr3:192,408,121, plus strand): 5'-AGAAGCGCACTTTGCTGAACACCCCGAGGACGTGCCTCTCGCACAGGGAGCGCCCGTCTT[T>C]GCTGGGGCTGGAGCGGCGCTTGGAGGCCGACACTCGGTCGCTGTTGGACTCCCTCGCCTG-3'